The following is an entry in ClinVar:

NM_000441.2(SLC26A4):c.497G>A (p.Ser166Asn)

Gene: SLC26A4 (solute carrier family 26 member 4; plus strand). Cytogenetic location: 7q22.3.
Variant type: single nucleotide variant.
Coding change: c.497G>A on transcript NM_000441.2 (MANE Select); coding-DNA position 497, G replaced by A.
Protein change: p.Ser166Asn; replaces serine 166 with asparagine.
Molecular consequence: missense variant.
Genome position (GRCh38, 1-based): chr7:107,674,245, G>A. VCF-style: chr7-107674245-G-A. GRCh37 (hg19) VCF-style: chr7-107314690-G-A.
Other names: short protein forms S166N.
Identifiers: ClinVar variation 2682596 (VCV002682596.1), dbSNP rs2535296369, ClinGen allele CA368848092.

ClinVar aggregate classification (germline): Uncertain significance (1 of 4 stars; one submission).

Submission:

Women's Health and Genetics/Laboratory Corporation of America, LabCorp
Classification: Uncertain significance. Last evaluated: 2023-11-17. Review status: criteria provided, single submitter. Criteria: LabCorp Variant Classification Summary - May 2015. Collection method: clinical testing. Allele origin: germline.
Comment: Variant summary: SLC26A4 c.497G>A (p.Ser166Asn) results in a conservative amino acid change in the encoded protein sequence. Five of five in-silico tools predict a benign effect of the variant on protein function. The variant was absent in 251468 control chromosomes. The available data on variant occurrences in the general population are insufficient to allow any conclusion about variant significance. c.497G>A has been reported in the literature in at-least one individual affected with enlargement of the vestibular aqueduct, without strong evidence for causality (example, Park_2004). These report(s) do not provide unequivocal conclusions about association of the variant with Pendred Syndrome. At least one publication reports experimental evidence evaluating an impact on protein function. These results showed no damaging effect of this variant by various functional experiments in HEK 293 cells (Yoon_2008). The following publications have been ascertained in the context of this evaluation (PMID: 15679828, 18310264). No submitters have cited clinical-significance assessments for this variant to ClinVar after 2014. Based on the evidence outlined above, the variant was classified as VUS-possibly benign.

Literature cited by the submitters: PubMed 15679828; PubMed 18310264.